The following is an entry in ClinVar:

NC_000005.9:g.(?_156184572)_(156184735_?)del

Gene: SGCD (sarcoglycan delta; plus strand). Cytogenetic location: 5q33.3.
Variant type: Deletion.
Identifiers: ClinVar variation 2422917 (VCV002422917.6).

ClinVar aggregate classification (germline): Pathogenic (1 of 4 stars; one submission).

Conditions:
Autosomal recessive limb-girdle muscular dystrophy type 2F (LGMDR6). Also called: Muscular dystrophy limb-girdle with delta-sarcoglyan deficiency; MUSCULAR DYSTROPHY, LIMB-GIRDLE, AUTOSOMAL RECESSIVE 6. Identifiers: Orphanet 219, MedGen C1832525, MONDO:0011028, OMIM 601287. Disease mechanism: Affects gamma-sarcoglycan and also disrupts the integrity of the entire sarcoglycan complex..

Submission:

Labcorp Genetics (formerly Invitae), Labcorp
Classification: Pathogenic for Autosomal recessive limb-girdle muscular dystrophy type 2F. Last evaluated: 2022-05-26. Review status: criteria provided, single submitter. Criteria: Invitae Variant Classification Sherloc (09022015). Collection method: clinical testing. Allele origin: germline.
Comment: This variant is a gross deletion of the genomic region encompassing exon(s) 8 of the SGCD gene. While this deletion is not anticipated to lead to nonsense mediated decay, it is expected to disrupt the C-terminus of the protein. This variant has not been reported in the literature in individuals affected with SGCD-related conditions. This variant disrupts a region of the SGCD protein in which other variant(s) (p.Thr220Profs*6) have been determined to be pathogenic (PMID: 8841194). This suggests that this is a clinically significant region of the protein, and that variants that disrupt it are likely to be disease-causing. For these reasons, this variant has been classified as Pathogenic.

Literature cited by the submitters: PubMed 8841194.